The following is an entry in ClinVar:

ClinVar aggregate classification (germline): Uncertain significance. Review status: criteria provided, multiple submitters, no conflicts (2 of 4 stars). 2 submissions from 2 submitters: Uncertain significance (2). Last evaluated 2023-03-02.

Conditions:
Inborn genetic diseases. Identifiers: MedGen C0950123, MeSH D030342.
Acrocallosal syndrome (ACLS). Also called: Schinzel syndrome 1; Absence of corpus callosum with unusual facial appearance, mental deficiency, duplication of the halluces and polydactyly; HALLUX DUPLICATION, POSTAXIAL POLYDACTYLY, AND ABSENCE OF CORPUS CALLOSUM. Identifiers: Orphanet 36, MedGen C0796147, MONDO:0008708, OMIM 200990.

Allele frequency attached by ClinVar (database versions not stated): gnomAD 0.00001; TOPMed 0.00001; ExAC 0.00002; gnomAD exomes 0.00002.
gnomAD v4.1: 33 of 1,607,968 alleles (0.0021%); highest among the groups gnomAD compares: East Asian, 0.0045%; no homozygotes.

Submissions (2):

Ambry Genetics
Classification: Uncertain significance for Inborn genetic diseases. Last evaluated: 2023-03-02. Review status: criteria provided, single submitter. Criteria: Ambry Variant Classification Scheme 2023. Collection method: clinical testing. Allele origin: germline.

Labcorp Genetics (formerly Invitae), Labcorp
Classification: Uncertain significance for Acrocallosal syndrome. Last evaluated: 2022-05-28. Review status: criteria provided, single submitter. Criteria: Invitae Variant Classification Sherloc (09022015). Collection method: clinical testing. Allele origin: germline.
Comment: In summary, the available evidence is currently insufficient to determine the role of this variant in disease. Therefore, it has been classified as a Variant of Uncertain Significance. Algorithms developed to predict the effect of missense changes on protein structure and function are either unavailable or do not agree on the potential impact of this missense change (SIFT: "Deleterious"; PolyPhen-2: "Probably Damaging"; Align-GVGD: "Class C0"). ClinVar contains an entry for this variant (Variation ID: 1396140). This variant has not been reported in the literature in individuals affected with KIF7-related conditions. This variant is present in population databases (rs747455856, gnomAD 0.01%). This sequence change replaces isoleucine, which is neutral and non-polar, with threonine, which is neutral and polar, at codon 1336 of the KIF7 protein (p.Ile1336Thr).

NM_198525.3(KIF7):c.4007T>C (p.Ile1336Thr)

Gene: KIF7 (kinesin family member 7; minus strand). Cytogenetic location: 15q26.1.
Variant type: single nucleotide variant.
Coding change: c.4007T>C on transcript NM_198525.3 (MANE Select); coding-DNA position 4007, T replaced by C.
Protein change: p.Ile1336Thr; replaces isoleucine 1336 with threonine.
Molecular consequence: missense variant.
Genome position (GRCh38, 1-based): chr15:89,628,444, A>G on the plus strand (T>C on the coding strand, the complement: KIF7 is on the minus strand). VCF-style: chr15-89628444-A-G. GRCh37 (hg19) VCF-style: chr15-90171675-A-G.
Other names: c.4007T>C (NM_198525.2); short protein forms I1336T.
Identifiers: ClinVar variation 1396140 (VCV001396140.7), dbSNP rs747455856, ClinGen allele CA7727447.